The following is an entry in ClinVar:

ClinVar aggregate classification (germline): Likely benign. Review status: criteria provided, multiple submitters, no conflicts (2 of 4 stars). 3 submissions from 3 submitters: Likely benign (3). Last evaluated 2023-05-19.

Conditions:
Diabetes mellitus type 1 (T1D). Also called: Type I diabetes mellitus; Diabetes Mellitus, Juvenile-Onset. Identifiers: MedGen C0011854, MONDO:0005147, OMIM 222100, HP:0100651.
Type 2 diabetes mellitus. Also called: Type II diabetes mellitus. Identifiers: MedGen C0011860, MeSH D003924, MONDO:0005148, OMIM 125853, HP:0005978.
Hepatic adenomas, familial. Also called: HEPATIC ADENOMA, SOMATIC; LIVER CELL ADENOMAS, FAMILIAL. Identifiers: MedGen C1840646, MONDO:0007718, OMIM 142330.
Nonpapillary renal cell carcinoma. Identifiers: Orphanet 422526, MedGen CN074294, MONDO:0007763, OMIM 144700.
Type 1 diabetes mellitus 20 (T1D20). Also called: Diabetes mellitus, insulin-dependent, 20. Identifiers: MedGen C2675866, MONDO:0012919, OMIM 612520.
Maturity-onset diabetes of the young type 3. Also called: MODY type 3; MODY, type III. Identifiers: Orphanet 552, MedGen C1838100, MeSH C563933, MONDO:0010894, OMIM 600496. Disease mechanism: loss of function.

Allele frequency attached by ClinVar (database versions not stated): gnomAD 0.00001; gnomAD exomes 0.00002; ExAC 0.00004.
gnomAD v4.1: 11 of 1,611,212 alleles (0.00068%); highest among the groups gnomAD compares: Admixed American, 0.0067%; no homozygotes.

Submissions (3):

Labcorp Genetics (formerly Invitae), Labcorp
Classification: Likely benign. Last evaluated: 2023-05-19. Review status: criteria provided, single submitter. Criteria: Invitae Variant Classification Sherloc (09022015). Collection method: clinical testing. Allele origin: germline.

CeGaT Center for Human Genetics Tuebingen
Classification: Likely benign. Last evaluated: 2022-06-01. Review status: criteria provided, single submitter. Criteria: CeGaT Center For Human Genetics Tuebingen Variant Classification Criteria Version 2. Collection method: clinical testing. Allele origin: germline. Affected: yes. Observed: 1 variant allele.
Comment: HNF1A: BP4, BP7

Fulgent Genetics
Classification: Likely benign for Type 2 diabetes mellitus; Hepatic adenomas, familial; Nonpapillary renal cell carcinoma; Diabetes mellitus type 1; Maturity-onset diabetes of the young type 3; Type 1 diabetes mellitus 20. Last evaluated: 2022-04-28. Review status: criteria provided, single submitter. Criteria: ACMG Guidelines, 2015. Collection method: clinical testing. Allele origin: unknown.

NM_000545.8(HNF1A):c.153C>T (p.Gly51=)

Gene: HNF1A (HNF1 homeobox A; plus strand). Cytogenetic location: 12q24.31.
Variant type: single nucleotide variant.
Coding change: c.153C>T on transcript NM_000545.8 (MANE Select); coding-DNA position 153, C replaced by T.
Protein change: p.Gly51=; no amino-acid change (glycine 51 retained).
Molecular consequence: synonymous variant.
Genome position (GRCh38, 1-based): chr12:120,978,921, C>T. VCF-style: chr12-120978921-C-T. GRCh37 (hg19) VCF-style: chr12-121416724-C-T.
Other names: c.153C>T, p.Gly51= (NM_001306179.2, NM_001406915.1).
Identifiers: ClinVar variation 1694681 (VCV001694681.35), dbSNP rs761779651, ClinGen allele CA6831674.